The following is an entry in ClinVar:

ClinVar aggregate classification (germline): Uncertain significance. Review status: criteria provided, multiple submitters, no conflicts (2 of 4 stars). 4 submissions from 4 submitters: Uncertain significance (3). 1 of the submissions does not count toward it. Last evaluated 2025-12-01.

Conditions:
Cardiovascular phenotype. Identifiers: MedGen CN230736.
Alstrom syndrome (ALMS). Identifiers: Orphanet 64, MedGen C0268425, MONDO:0008763, OMIM 203800.

Submissions (4):

Ambry Genetics
Classification: Uncertain significance for Cardiovascular phenotype. Last evaluated: 2025-12-01. Review status: criteria provided, single submitter. Criteria: Ambry Variant Classification Scheme 2023. Collection method: clinical testing. Allele origin: germline.
Comment: The c.3913_3915delAGT variant (also known as p.S1305del) is located in coding exon 8 of the ALMS1 gene. This variant results from an in-frame AGT deletion at nucleotide positions 3913 to 3915. This results in the in-frame deletion of a serine at codon 1305. This amino acid position is not well conserved in available vertebrate species. In addition, the in silico prediction for this alteration is inconclusive (Choi Y et al. PLoS ONE. 2012; 7(10):e46688). Since supporting evidence is limited at this time, the clinical significance of this alteration remains unclear.

Labcorp Genetics (formerly Invitae), Labcorp
Classification: Uncertain significance for Alstrom syndrome. Last evaluated: 2022-08-16. Review status: criteria provided, single submitter. Criteria: Invitae Variant Classification Sherloc (09022015). Collection method: clinical testing. Allele origin: germline.
Comment: This variant, c.3913_3915del, results in the deletion of 1 amino acid(s) of the ALMS1 protein (p.Ser1305del), but otherwise preserves the integrity of the reading frame. This variant is present in population databases (rs775132874, gnomAD 0.004%). This variant has not been reported in the literature in individuals affected with ALMS1-related conditions. ClinVar contains an entry for this variant (Variation ID: 550818). Experimental studies and prediction algorithms are not available or were not evaluated, and the functional significance of this variant is currently unknown. In summary, the available evidence is currently insufficient to determine the role of this variant in disease. Therefore, it has been classified as a Variant of Uncertain Significance.

Blueprint Genetics
Classification: Uncertain significance. Last evaluated: 2021-05-05. Review status: criteria provided, single submitter. Criteria: ACMG Guidelines, 2015. Collection method: clinical testing. Allele origin: germline.

Counsyl
Classification: Uncertain significance for Alstrom syndrome. Last evaluated: 2017-02-22. Review status: no assertion criteria provided. Collection method: clinical testing. Allele origin: unknown. Not counted in ClinVar's aggregate classification.

NM_001378454.1(ALMS1):c.3907AGT[1] (p.Ser1304del)

Gene: ALMS1 (ALMS1 centrosome and basal body associated protein; plus strand). Cytogenetic location: 2p13.1.
Variant type: Microsatellite.
Coding change: c.3907AGT[1] on transcript NM_001378454.1 (MANE Select); one copy of the 3-base unit AGT starting at c.3907; the reference has two copies in a row; one copy, 3 bases deleted.
Protein change: p.Ser1304del; deletes serine 1304.
Molecular consequence: inframe deletion.
Genome position (GRCh38, 1-based): chr2:73,450,437-73,450,439, AGT deleted; deleting any 3 consecutive bases within chr2:73,450,434-73,450,439 gives the same sequence; the position shown is the placement nearest the transcript's 3' end. VCF-style (leftmost placement, unchanged base first): chr2-73450433-AAGT-A. GRCh37 (hg19) VCF-style: chr2-73677560-AAGT-A.
Other names: c.3910AGT[1], p.Ser1305del (NM_015120.4); c.3913_3915delAGT (NM_015120.4); short protein forms S1305del, S1304del.
Identifiers: ClinVar variation 550818 (VCV000550818.9), dbSNP rs775132874, ClinGen allele CA1713612.
Genomic context (GRCh38, chr2:73,450,433, plus strand): 5'-CTCTACTTCCTACTCACAATATAGAGAGAAGCCCAGCATTTTCTACCAACAGTCGTTGCC[AAGT>A]AGTCATCTAACTGAAGAGGCTAAGAATGTTTCAGCGGTTCCTGGACCAGCTGACCAGAAG-3'